The following is an entry in ClinVar:

ClinVar aggregate classification (germline): Benign/Likely benign. Review status: criteria provided, multiple submitters, no conflicts (2 of 4 stars). 5 submissions from 5 submitters: Benign (1); Likely benign (4). Last evaluated 2026-05-20.

Conditions:
Hereditary cancer-predisposing syndrome. Also called: Neoplastic Syndromes, Hereditary; Hereditary Cancer Syndrome; Tumor predisposition; Hereditary neoplastic syndrome. Identifiers: Orphanet 140162, MedGen C0027672, MeSH D009386, MONDO:0015356.
Cardiovascular phenotype. Identifiers: MedGen CN230736.
Neurofibromatosis, type 1 (NF1). Also called: VON RECKLINGHAUSEN DISEASE; NEUROFIBROMATOSIS, TYPE I, SOMATIC; Peripheral type neurofibromatosis; Neurofibromatosis, type I. Identifiers: Orphanet 636, MedGen C0027831, MONDO:0018975, OMIM 162200. Disease mechanism: loss of function.

Allele frequency attached by ClinVar (database versions not stated): gnomAD exomes below 0.00001; TOPMed below 0.00001.
gnomAD v4.1: 1 of 1,612,622 alleles (0.000062%); highest among the groups gnomAD compares: Non-Finnish European, 0.000085%; no homozygotes.

Submissions (5):

Myriad Genetics, Inc.
Classification: Benign for Neurofibromatosis, type 1. Last evaluated: 2026-05-20. Review status: criteria provided, single submitter. Criteria: Myriad Autosomal Dominant, Autosomal Recessive and X-Linked Classification Criteria (2023). Collection method: clinical testing. Allele origin: unknown.
Comment: This variant is considered benign. This variant is a silent/synonymous amino acid change and it is not expected to impact splicing.

Labcorp Genetics (formerly Invitae), Labcorp
Classification: Likely benign for Neurofibromatosis, type 1. Last evaluated: 2025-02-26. Review status: criteria provided, single submitter. Criteria: Invitae Variant Classification Sherloc (09022015). Collection method: clinical testing. Allele origin: germline.

CeGaT Center for Human Genetics Tuebingen
Classification: Likely benign. Last evaluated: 2022-09-01. Review status: criteria provided, single submitter. Criteria: CeGaT Center For Human Genetics Tuebingen Variant Classification Criteria Version 2. Collection method: clinical testing. Allele origin: germline. Affected: yes. Observed: 1 variant allele.
Comment: NF1: BP4, BP7

Genome-Nilou Lab
Classification: Likely benign for Neurofibromatosis, type 1. Last evaluated: 2022-03-15. Review status: criteria provided, single submitter. Criteria: ACMG Guidelines, 2015. Collection method: clinical testing. Allele origin: germline. Affected: no.

Ambry Genetics
Classification: Likely benign for Cardiovascular phenotype; Hereditary cancer-predisposing syndrome. Last evaluated: 2018-04-10. Review status: criteria provided, single submitter. Criteria: Ambry Variant Classification Scheme 2023. Collection method: clinical testing. Allele origin: germline.

NM_001042492.3(NF1):c.4647A>G (p.Pro1549=)

Gene: NF1 (neurofibromin 1; plus strand). Cytogenetic location: 17q11.2.
Variant type: single nucleotide variant.
Coding change: c.4647A>G on transcript NM_001042492.3 (MANE Select); coding-DNA position 4647, A replaced by G.
Protein change: p.Pro1549=; no amino-acid change (proline 1549 retained).
Molecular consequence: synonymous variant.
Genome position (GRCh38, 1-based): chr17:31,261,780, A>G. VCF-style: chr17-31261780-A-G. GRCh37 (hg19) VCF-style: chr17-29588798-A-G.
Other names: c.4584A>G, p.Pro1528= (NM_000267.4).
Identifiers: ClinVar variation 527663 (VCV000527663.35), dbSNP rs1305841472, ClinGen allele CA499233877.